The following is an entry in ClinVar:

ClinVar aggregate classification (germline): Likely pathogenic (1 of 4 stars; one submission).

Submission:

CeGaT Center for Human Genetics Tuebingen
Classification: Likely pathogenic. Last evaluated: 2024-01-01. Review status: criteria provided, single submitter. Criteria: CeGaT Center For Human Genetics Tuebingen Variant Classification Criteria Version 2. Collection method: clinical testing. Allele origin: germline. Affected: yes. Observed: 1 variant allele.
Comment: TUBB2A: PVS1:Strong, PM2

NM_001069.3(TUBB2A):c.391C>T (p.Gln131Ter)

Gene: TUBB2A (tubulin beta 2A class IIa; minus strand). Cytogenetic location: 6p25.2.
Variant type: single nucleotide variant.
Coding change: c.391C>T on transcript NM_001069.3 (MANE Select); coding-DNA position 391, C replaced by T.
Protein change: p.Gln131Ter; replaces glutamine 131 with a stop codon.
Molecular consequence: nonsense.
Genome position (GRCh38, 1-based): chr6:3,154,810, G>A on the plus strand (C>T on the coding strand, the complement: TUBB2A is on the minus strand). VCF-style: chr6-3154810-G-A. GRCh37 (hg19) VCF-style: chr6-3155044-G-A.
Other names: c.136C>T, p.Gln46Ter (NM_001310315.2); short protein forms Q131*, Q46*.
Identifiers: ClinVar variation 3026915 (VCV003026915.22), dbSNP rs2533525210, ClinGen allele CA362592844.